The following is an entry in ClinVar:

ClinVar aggregate classification (germline): Uncertain significance (1 of 4 stars; one submission).

Conditions:
Hereditary nonpolyposis colorectal neoplasms. Identifiers: MedGen C0009405, MeSH D003123.

Submission:

Labcorp Genetics (formerly Invitae), Labcorp
Classification: Uncertain significance for Hereditary nonpolyposis colorectal neoplasms. Last evaluated: 2024-12-15. Review status: criteria provided, single submitter. Criteria: Invitae Variant Classification Sherloc (09022015). Collection method: clinical testing. Allele origin: germline.
Comment: This sequence change replaces lysine, which is basic and polar, with arginine, which is basic and polar, at codon 920 of the MSH6 protein (p.Lys920Arg). This variant is not present in population databases (gnomAD no frequency). This variant has not been reported in the literature in individuals affected with MSH6-related conditions. Invitae Evidence Modeling of protein sequence and biophysical properties (such as structural, functional, and spatial information, amino acid conservation, physicochemical variation, residue mobility, and thermodynamic stability) indicates that this missense variant is not expected to disrupt MSH6 protein function with a negative predictive value of 95%. In summary, the available evidence is currently insufficient to determine the role of this variant in disease. Therefore, it has been classified as a Variant of Uncertain Significance.

NM_000179.3(MSH6):c.2759A>G (p.Lys920Arg)

Gene: MSH6 (mutS homolog 6; plus strand). Cytogenetic location: 2p16.3.
Variant type: single nucleotide variant.
Coding change: c.2759A>G on transcript NM_000179.3 (MANE Select); coding-DNA position 2759, A replaced by G.
Protein change: p.Lys920Arg; replaces lysine 920 with arginine.
Molecular consequence: missense variant. On other transcripts: non-coding transcript variant (5), intron variant (2).
Genome position (GRCh38, 1-based): chr2:47,800,742, A>G. VCF-style: chr2-47800742-A-G. GRCh37 (hg19) VCF-style: chr2-48027881-A-G.
Other names: c.2765A>G, p.Lys922Arg (NM_001406813.1); c.1853A>G, p.Lys618Arg (NM_001406814.1, NM_001406815.1, NM_001406816.1 and 6 more transcripts); c.2462A>G, p.Lys821Arg (NM_001406818.1, NM_001406819.1, NM_001406820.1 and 10 more transcripts); c.2591A>G, p.Lys864Arg (NM_001406826.1); c.704A>G, p.Lys235Arg (NM_001407362.1); c.2369A>G, p.Lys790Arg (NM_001281492.2); c.2855A>G, p.Lys952Arg (NM_001406795.1, NM_001406802.1); c.2759A>G, p.Lys920Arg (NM_001406796.1, NM_001406798.1, NM_001406800.1 and 2 more transcripts); and 4 more; short protein forms K235R, K745R, K790R, K864R, K922R, K821R, K894R, K618R.
Identifiers: ClinVar variation 3633958 (VCV003633958.2).